The following is an entry in ClinVar:

NM_182961.4(SYNE1):c.22009G>C (p.Glu7337Gln)

Gene: SYNE1 (spectrin repeat containing nuclear envelope protein 1; minus strand). Cytogenetic location: 6q25.2.
Variant type: single nucleotide variant.
Coding change: c.22009G>C on transcript NM_182961.4 (MANE Select); coding-DNA position 22009, G replaced by C.
Protein change: p.Glu7337Gln; replaces glutamic acid 7337 with glutamine.
Molecular consequence: missense variant.
Genome position (GRCh38, 1-based): chr6:152,219,038, C>G on the plus strand (G>C on the coding strand, the complement: SYNE1 is on the minus strand). VCF-style: chr6-152219038-C-G. GRCh37 (hg19) VCF-style: chr6-152540173-C-G.
Other names: c.21796G>C, p.Glu7266Gln (NM_033071.5); short protein forms E7266Q, E7337Q.
Identifiers: ClinVar variation 1946905 (VCV001946905.5), dbSNP rs369215200, ClinGen allele CA4053998.

ClinVar aggregate classification (germline): Uncertain significance (1 of 4 stars; one submission).

Conditions:
Emery-Dreifuss muscular dystrophy 4, autosomal dominant (EDMD4). Also called: EMERY-DREIFUSS MUSCULAR DYSTROPHY 4 WITH VARIABLE FEATURES. Identifiers: Orphanet 261, MedGen C2751807, MONDO:0013071, OMIM 612998.
Autosomal recessive ataxia, Beauce type. Also called: SYNE1 Deficiency; Spinocerebellar ataxia, autosomal recessive 8; ATAXIA, RECESSIVE, OF BEAUCE; SYNE1-Related Autosomal Recessive Cerebellar Ataxia. Identifiers: Orphanet 88644, MedGen C1853116, MONDO:0012549, OMIM 610743.

Allele frequency attached by ClinVar (database versions not stated): ExAC 0.00001; ESP Exome Variant Server 0.00008.

Submission:

Labcorp Genetics (formerly Invitae), Labcorp
Classification: Uncertain significance for Emery-Dreifuss muscular dystrophy 4, autosomal dominant; Autosomal recessive ataxia, Beauce type. Last evaluated: 2022-04-26. Review status: criteria provided, single submitter. Criteria: Invitae Variant Classification Sherloc (09022015). Collection method: clinical testing. Allele origin: germline.
Comment: In summary, the available evidence is currently insufficient to determine the role of this variant in disease. Therefore, it has been classified as a Variant of Uncertain Significance. Algorithms developed to predict the effect of missense changes on protein structure and function (SIFT, PolyPhen-2, Align-GVGD) all suggest that this variant is likely to be disruptive. This variant has not been reported in the literature in individuals affected with SYNE1-related conditions. This variant is present in population databases (rs369215200, gnomAD 0.007%). This sequence change replaces glutamic acid, which is acidic and polar, with glutamine, which is neutral and polar, at codon 7266 of the SYNE1 protein (p.Glu7266Gln).